The following is an entry in ClinVar:

NM_201525.4(ADGRG1):c.2017G>A (p.Ala673Thr)

Gene: ADGRG1 (adhesion G protein-coupled receptor G1; plus strand). Cytogenetic location: 16q21.
Variant type: single nucleotide variant.
Coding change: c.2017G>A on transcript NM_201525.4 (MANE Select); coding-DNA position 2017, G replaced by A.
Protein change: p.Ala673Thr; replaces alanine 673 with threonine.
Molecular consequence: missense variant.
Genome position (GRCh38, 1-based): chr16:57,663,535, G>A. VCF-style: chr16-57663535-G-A. GRCh37 (hg19) VCF-style: chr16-57697447-G-A.
Other names: c.2035G>A, p.Ala679Thr (NM_001370429.1, NM_001370430.1, NM_001370431.1 and 4 more transcripts); c.2032G>A, p.Ala678Thr (NM_001370433.1, NM_001370434.1, NM_001145773.3); c.2017G>A, p.Ala673Thr (NM_001370435.1, NM_001370436.1, NM_001370437.1 and 7 more transcripts); c.1525G>A, p.Ala509Thr (NM_001290142.2); c.1510G>A, p.Ala504Thr (NM_001290143.2); c.1492G>A, p.Ala498Thr (NM_001290144.2, NM_001370451.1, NM_001370453.1 and 1 more transcripts); c.2014G>A, p.Ala672Thr (NM_001370441.1); c.1861G>A, p.Ala621Thr (NM_001370442.1); short protein forms A498T, A673T, A672T, A504T, A509T, A679T, A621T, A678T.
Identifiers: ClinVar variation 2053028 (VCV002053028.4), dbSNP rs760698066, ClinGen allele CA8078928.

ClinVar aggregate classification (germline): Uncertain significance. Review status: criteria provided, multiple submitters, no conflicts (2 of 4 stars). 2 submissions from 2 submitters: Uncertain significance (2). Last evaluated 2024-11-04.

Conditions:
Inborn genetic diseases. Identifiers: MedGen C0950123, MeSH D030342.

Allele frequency attached by ClinVar (database versions not stated): ExAC 0.00007; gnomAD 0.00009; TOPMed 0.00009; gnomAD exomes 0.00002.
gnomAD v4.1: 45 of 1,613,796 alleles (0.0028%); highest among the groups gnomAD compares: Admixed American, 0.03%; no homozygotes.

Submissions (2):

Labcorp Genetics (formerly Invitae), Labcorp
Classification: Uncertain significance. Last evaluated: 2024-11-04. Review status: criteria provided, single submitter. Criteria: Invitae Variant Classification Sherloc (09022015). Collection method: clinical testing. Allele origin: germline.
Comment: This sequence change replaces alanine, which is neutral and non-polar, with threonine, which is neutral and polar, at codon 679 of the ADGRG1 protein (p.Ala679Thr). This variant is present in population databases (rs760698066, gnomAD 0.05%). This variant has not been reported in the literature in individuals affected with ADGRG1-related conditions. ClinVar contains an entry for this variant (Variation ID: 2053028). Invitae Evidence Modeling of protein sequence and biophysical properties (such as structural, functional, and spatial information, amino acid conservation, physicochemical variation, residue mobility, and thermodynamic stability) indicates that this missense variant is not expected to disrupt ADGRG1 protein function with a negative predictive value of 95%. In summary, the available evidence is currently insufficient to determine the role of this variant in disease. Therefore, it has been classified as a Variant of Uncertain Significance.

Ambry Genetics
Classification: Uncertain significance for Inborn genetic diseases. Last evaluated: 2021-09-17. Review status: criteria provided, single submitter. Criteria: Ambry Variant Classification Scheme 2023. Collection method: clinical testing. Allele origin: germline.